The following is an entry in ClinVar:

NM_021620.4(PRDM13):c.835T>C (p.Ser279Pro)

Gene: PRDM13 (PR/SET domain 13; plus strand). Cytogenetic location: 6q16.2.
Variant type: single nucleotide variant.
Coding change: c.835T>C on transcript NM_021620.4 (MANE Select); coding-DNA position 835, T replaced by C.
Protein change: p.Ser279Pro; replaces serine 279 with proline.
Molecular consequence: missense variant.
Genome position (GRCh38, 1-based): chr6:99,613,470, T>C. VCF-style: chr6-99613470-T-C. GRCh37 (hg19) VCF-style: chr6-100061346-T-C.
Other names: short protein forms S279P.
Identifiers: ClinVar variation 935893 (VCV000935893.9), dbSNP rs1770067214, ClinGen allele CA365116567.

ClinVar aggregate classification (germline): Uncertain significance (1 of 4 stars; one submission).

Submission:

Labcorp Genetics (formerly Invitae), Labcorp
Classification: Uncertain significance. Last evaluated: 2020-01-08. Review status: criteria provided, single submitter. Criteria: Invitae Variant Classification Sherloc (09022015). Collection method: clinical testing. Allele origin: germline.
Comment: Algorithms developed to predict the effect of missense changes on protein structure and function output the following: SIFT: "Tolerated"; PolyPhen-2: "Benign"; Align-GVGD: "Class C0". The proline amino acid residue is found in multiple mammalian species, suggesting that this missense change does not adversely affect protein function. These predictions have not been confirmed by published functional studies and their clinical significance is uncertain. In summary, the available evidence is currently insufficient to determine the role of this variant in disease. Therefore, it has been classified as a Variant of Uncertain Significance. This variant has not been reported in the literature in individuals with PRDM13-related conditions. The frequency data for this variant in the population databases is considered unreliable, as metrics indicate insufficient coverage at this position in the ExAC database. This sequence change replaces serine with proline at codon 279 of the PRDM13 protein (p.Ser279Pro). The serine residue is weakly conserved and there is a moderate physicochemical difference between serine and proline.